The following is an entry in ClinVar:

ClinVar aggregate classification (germline): Uncertain significance. Review status: criteria provided, multiple submitters, no conflicts (2 of 4 stars). 2 submissions from 2 submitters: Uncertain significance (2). Last evaluated 2025-04-18.

Conditions:
Idiopathic Pulmonary Fibrosis. Also called: Idiopathic fibrosing alveolitis, chronic form; idiopathic fibrosing alveolitis. Identifiers: Orphanet 2032, MedGen C1800706, MeSH D054990, MONDO:0800504.
Dyskeratosis congenita, autosomal dominant 2. Identifiers: MedGen C3151443, MONDO:0013521, OMIM 613989.
Dyskeratosis congenita. Identifiers: Orphanet 1775, MedGen C0265965, MONDO:0015780.

Submissions (2):

Ambry Genetics
Classification: Uncertain significance for Dyskeratosis congenita. Last evaluated: 2025-04-18. Review status: criteria provided, single submitter. Criteria: Ambry Variant Classification Scheme 2023. Collection method: clinical testing. Allele origin: germline.
Comment: The p.P44L variant (also known as c.131C>T), located in coding exon 1 of the TERT gene, results from a C to T substitution at nucleotide position 131. The proline at codon 44 is replaced by leucine, an amino acid with similar properties. This amino acid position is well conserved in available vertebrate species. In addition, the in silico prediction for this alteration is inconclusive. Based on the available evidence, the clinical significance of this variant remains unclear.

Labcorp Genetics (formerly Invitae), Labcorp
Classification: Uncertain significance for Dyskeratosis congenita, autosomal dominant 2; Idiopathic Pulmonary Fibrosis. Last evaluated: 2023-04-12. Review status: criteria provided, single submitter. Criteria: Invitae Variant Classification Sherloc (09022015). Collection method: clinical testing. Allele origin: germline.
Comment: ClinVar contains an entry for this variant (Variation ID: 1403439). This variant has not been reported in the literature in individuals affected with TERT-related conditions. This variant is not present in population databases (gnomAD no frequency). This sequence change replaces proline, which is neutral and non-polar, with leucine, which is neutral and non-polar, at codon 44 of the TERT protein (p.Pro44Leu). Advanced modeling of protein sequence and biophysical properties (such as structural, functional, and spatial information, amino acid conservation, physicochemical variation, residue mobility, and thermodynamic stability) performed at Invitae indicates that this missense variant is expected to disrupt TERT protein function. In summary, the available evidence is currently insufficient to determine the role of this variant in disease. Therefore, it has been classified as a Variant of Uncertain Significance.

NM_198253.3(TERT):c.131C>T (p.Pro44Leu)

Genes: TERT (telomerase reverse transcriptase; minus strand), LOC110806263 (TERT 5' regulatory region; plus strand). Cytogenetic location: 5p15.33.
Variant type: single nucleotide variant.
Coding change: c.131C>T on transcript NM_198253.3 (MANE Select); coding-DNA position 131, C replaced by T.
Protein change: p.Pro44Leu; replaces proline 44 with leucine.
Molecular consequence: missense variant. On other transcripts: non-coding transcript variant (2).
Genome position (GRCh38, 1-based): chr5:1,294,859, G>A on the plus strand (C>T on the coding strand, the complement: TERT is on the minus strand). VCF-style: chr5-1294859-G-A. GRCh37 (hg19) VCF-style: chr5-1294974-G-A.
Other names: c.131C>T, p.Pro44Leu (NM_001193376.3); c.131C>T (NM_198253.2); short protein forms P44L.
Identifiers: ClinVar variation 1403439 (VCV001403439.9), dbSNP rs2126691833, ClinGen allele CA359059131.